The following is an entry in ClinVar:

NM_001048174.2(MUTYH):c.1003_1006dup (p.Arg336fs)

Gene: MUTYH (mutY DNA glycosylase; minus strand). Cytogenetic location: 1p34.1.
Variant type: Duplication.
Coding change: c.1003_1006dup on transcript NM_001048174.2 (MANE Select); coding-DNA positions 1003 to 1006, 4 bases duplicated (AGCC; older notation c.1003_1006dupAGCC).
Protein change: p.Arg336fs; shifts the reading frame from arginine 336.
Molecular consequence: frameshift variant. On other transcripts: non-coding transcript variant (2).
Genome position (GRCh38, 1-based): chr1:45,331,757-45,331,760, GGCT duplicated on the plus strand (AGCC on the coding strand, the reverse complement: MUTYH is on the minus strand); duplicating any 4 consecutive bases within chr1:45,331,757-45,331,763 gives the same sequence; the c. name uses the placement nearest the transcript's 3' end. VCF-style (leftmost placement, unchanged base first): chr1-45331756-C-CGGCT. GRCh37 (hg19) VCF-style: chr1-45797428-C-CGGCT.
Other names: c.1003_1006dup, p.Arg336fs (NM_001048171.2, NM_001048173.2, NM_001293195.2); c.1006_1009dup, p.Arg337fs (NM_001048172.2); c.1087_1090dup, p.Arg364fs (NM_001128425.2); c.1048_1051dup, p.Arg351fs (NM_001293190.2); c.1036_1039dup, p.Arg347fs (NM_001293191.2); c.727_730dup, p.Arg244fs (NM_001293192.2, NM_001293196.2); c.658_661dup, p.Arg221fs (NM_001350650.2, NM_001350651.2); c.1033_1036dup, p.Arg347Glnfs (NM_001407069.1, NM_001407077.1); and 10 more; short protein forms R336fs, R361fs, R221fs, R337fs, R244fs, R351fs, R364fs, R347fs.
Identifiers: ClinVar variation 2133907 (VCV002133907.4), dbSNP rs2524008424, ClinGen allele CA2580063027.

ClinVar aggregate classification (germline): Pathogenic (1 of 4 stars; one submission).

Conditions:
Familial adenomatous polyposis 2. Also called: FAP type 2; Adenomas, multiple colorectal; MUTYH-associated polyposis; MUTYH-related attenuated familial adenomatous polyposis; MYH-associated polyposis; COLORECTAL ADENOMATOUS POLYPOSIS, AUTOSOMAL RECESSIVE. Identifiers: Orphanet 220460, Orphanet 247798, MedGen C3272841, MONDO:0012041, OMIM 608456.

Submission:

Labcorp Genetics (formerly Invitae), Labcorp
Classification: Pathogenic for Familial adenomatous polyposis 2. Last evaluated: 2022-05-04. Review status: criteria provided, single submitter. Criteria: Invitae Variant Classification Sherloc (09022015). Collection method: clinical testing. Allele origin: germline.
Comment: For these reasons, this variant has been classified as Pathogenic. This variant disrupts a region of the MUTYH protein in which other variant(s) (p.Arg368Glnfs*164 ) have been determined to be pathogenic (PMID: 11092888, 11433026, 11864576, 16941501, 24953332, 26377631). This suggests that this is a clinically significant region of the protein, and that variants that disrupt it are likely to be disease-causing. This variant has not been reported in the literature in individuals affected with MUTYH-related conditions. This variant is not present in population databases (gnomAD no frequency). This sequence change creates a premature translational stop signal (p.Arg364Glnfs*169) in the MUTYH gene. While this is not anticipated to result in nonsense mediated decay, it is expected to disrupt the last 186 amino acid(s) of the MUTYH protein.

Literature cited by the submitters: PubMed 11092888; PubMed 11433026; PubMed 11864576; PubMed 16941501; PubMed 24953332; PubMed 26377631.